The following is an entry in ClinVar:

NM_032447.5(FBN3):c.3580T>C (p.Cys1194Arg)

Gene: FBN3 (fibrillin 3; minus strand). Cytogenetic location: 19p13.2.
Variant type: single nucleotide variant.
Coding change: c.3580T>C on transcript NM_032447.5 (MANE Select); coding-DNA position 3580, T replaced by C.
Protein change: p.Cys1194Arg; replaces cysteine 1194 with arginine.
Molecular consequence: missense variant.
Genome position (GRCh38, 1-based): chr19:8,117,175, A>G on the plus strand (T>C on the coding strand, the complement: FBN3 is on the minus strand). VCF-style: chr19-8117175-A-G. GRCh37 (hg19) VCF-style: chr19-8182059-A-G.
Other names: c.3580T>C, p.Cys1194Arg (NM_001321431.2); short protein forms C1194R.
Identifiers: ClinVar variation 3003652 (VCV003003652.3), dbSNP rs375873223, ClinGen allele CA9152409.

ClinVar aggregate classification (germline): Uncertain significance (1 of 4 stars; one submission).

Allele frequency attached by ClinVar (database versions not stated): ExAC 0.00001; gnomAD 0.00001; gnomAD exomes 0.00001; TOPMed 0.00001; ESP Exome Variant Server 0.00008.
gnomAD v4.1: 23 of 1,613,952 alleles (0.0014%); highest among the groups gnomAD compares: African/African-American, 0.0027%; no homozygotes.

Submission:

Labcorp Genetics (formerly Invitae), Labcorp
Classification: Uncertain significance. Last evaluated: 2023-08-09. Review status: criteria provided, single submitter. Criteria: Invitae Variant Classification Sherloc (09022015). Collection method: clinical testing. Allele origin: germline.
Comment: In summary, the available evidence is currently insufficient to determine the role of this variant in disease. Therefore, it has been classified as a Variant of Uncertain Significance. This sequence change replaces cysteine, which is neutral and slightly polar, with arginine, which is basic and polar, at codon 1194 of the FBN3 protein (p.Cys1194Arg). This variant is present in population databases (rs375873223, gnomAD 0.007%). This variant has not been reported in the literature in individuals affected with FBN3-related conditions. Advanced modeling of protein sequence and biophysical properties (such as structural, functional, and spatial information, amino acid conservation, physicochemical variation, residue mobility, and thermodynamic stability) performed at Invitae indicates that this missense variant is expected to disrupt FBN3 protein function.